The following is an entry in ClinVar:

ClinVar aggregate classification (germline): Likely benign. Review status: criteria provided, multiple submitters, no conflicts (2 of 4 stars). 2 submissions from 2 submitters: Likely benign (2). Last evaluated 2025-05-01.

Allele frequency attached by ClinVar (database versions not stated): ESP Exome Variant Server 0.00008; 1000 Genomes Project 30x 0.00016; gnomAD exomes 0.00017; 1000 Genomes Project 0.00020; ExAC 0.00027; TOPMed 0.00028; gnomAD 0.00029.
gnomAD v4.1: 303 of 1,613,956 alleles (0.019%); highest among the groups gnomAD compares: South Asian, 0.13%; 2 homozygotes.

Submissions (2):

CeGaT Center for Human Genetics Tuebingen
Classification: Likely benign. Last evaluated: 2025-05-01. Review status: criteria provided, single submitter. Criteria: CeGaT Center For Human Genetics Tuebingen Variant Classification Criteria Version 2. Collection method: clinical testing. Allele origin: germline. Affected: yes. Observed: 1 variant allele.
Comment: NCOA3: BP4, BP7

Ambry Genetics
Classification: Likely benign. Last evaluated: 2024-01-17. Review status: criteria provided, single submitter. Criteria: Ambry Variant Classification Scheme 2023. Collection method: clinical testing. Allele origin: germline.

NM_181659.3(NCOA3):c.4053G>A (p.Pro1351=)

Gene: NCOA3 (nuclear receptor coactivator 3; plus strand). Cytogenetic location: 20q13.12.
Variant type: single nucleotide variant.
Coding change: c.4053G>A on transcript NM_181659.3 (MANE Select); coding-DNA position 4053, G replaced by A.
Protein change: p.Pro1351=; no amino-acid change (proline 1351 retained).
Molecular consequence: synonymous variant.
Genome position (GRCh38, 1-based): chr20:47,652,512, G>A. VCF-style: chr20-47652512-G-A. GRCh37 (hg19) VCF-style: chr20-46281256-G-A.
Other names: c.4050G>A, p.Pro1350= (NM_001174087.2); c.4026G>A, p.Pro1342= (NM_001174088.2); c.4041G>A, p.Pro1347= (NM_006534.4).
Identifiers: ClinVar variation 3183847 (VCV003183847.11), dbSNP rs376993101, ClinGen allele CA9895275.